The following is an entry in ClinVar:

NM_000051.4(ATM):c.7078T>C (p.Tyr2360His)

Genes: ATM (ATM serine/threonine kinase; plus strand), C11orf65 (chromosome 11 open reading frame 65; minus strand). Cytogenetic location: 11q22.3.
Variant type: single nucleotide variant.
Coding change: c.7078T>C on transcript NM_000051.4 (MANE Select); coding-DNA position 7078, T replaced by C.
Protein change: p.Tyr2360His; replaces tyrosine 2360 with histidine.
Molecular consequence: missense variant. On other transcripts: intron variant (2).
Genome position (GRCh38, 1-based): chr11:108,327,747, T>C. VCF-style: chr11-108327747-T-C. GRCh37 (hg19) VCF-style: chr11-108198474-T-C.
Other names: p.Y2360H:TAT>CAT; c.7078T>C, p.Tyr2360His (NM_001351834.2); c.641-18676A>G (NM_001330368.2); c.*38+7473A>G (NM_001351110.2); short protein forms Y2360H.
Identifiers: ClinVar variation 127436 (VCV000127436.22), dbSNP rs587779860, ClinGen allele CA286963.

ClinVar aggregate classification (germline): Uncertain significance. Review status: criteria provided, multiple submitters, no conflicts (2 of 4 stars). 5 submissions from 5 submitters: Uncertain significance (5). Last evaluated 2025-05-08.

Conditions:
Hereditary cancer-predisposing syndrome. Also called: Neoplastic Syndromes, Hereditary; Hereditary Cancer Syndrome; Tumor predisposition; Hereditary neoplastic syndrome. Identifiers: Orphanet 140162, MedGen C0027672, MeSH D009386, MONDO:0015356.
Familial cancer of breast. Also called: BREAST CANCER, FAMILIAL; hereditary breast carcinoma; Hereditary breast cancer. Identifiers: Orphanet 227535, MedGen C0346153, MONDO:0016419, OMIM 114480. Disease mechanism: loss of function.
Ataxia-telangiectasia syndrome (AT). Also called: Ataxia-telangiectasia, complementation group D; AT, COMPLEMENTATION GROUP C; Ataxia-telangiectasia; ATAXIA-TELANGIECTASIA, COMPLEMENTATION GROUP A; ATAXIA-TELANGIECTASIA, FRESNO VARIANT; Ataxia-telangiectasia, complementation group E. Identifiers: Orphanet 100, MedGen C0004135, MONDO:0008840, OMIM 208900.

Allele frequency attached by ClinVar (database versions not stated): gnomAD exomes below 0.00001.
gnomAD v4.1: 1 of 1,613,648 alleles (0.000062%); highest among the groups gnomAD compares: Non-Finnish European, 0.000085%; no homozygotes.

Submissions (5):

Ambry Genetics
Classification: Uncertain significance for Hereditary cancer-predisposing syndrome. Last evaluated: 2025-05-08. Review status: criteria provided, single submitter. Criteria: Ambry Variant Classification Scheme 2023. Collection method: clinical testing. Allele origin: germline.
Comment: The p.Y2360H variant (also known as c.7078T>C), located in coding exon 47 of the ATM gene, results from a T to C substitution at nucleotide position 7078. The tyrosine at codon 2360 is replaced by histidine, an amino acid with similar properties. This amino acid position is highly conserved in available vertebrate species. In addition, this alteration is predicted to be deleterious by in silico analysis. Since supporting evidence is limited at this time, the clinical significance of this alteration remains unclear.

Labcorp Genetics (formerly Invitae), Labcorp
Classification: Uncertain significance for Ataxia-telangiectasia syndrome. Last evaluated: 2024-05-21. Review status: criteria provided, single submitter. Criteria: Invitae Variant Classification Sherloc (09022015). Collection method: clinical testing. Allele origin: germline.
Comment: This sequence change replaces tyrosine, which is neutral and polar, with histidine, which is basic and polar, at codon 2360 of the ATM protein (p.Tyr2360His). This variant is not present in population databases (gnomAD no frequency). This variant has not been reported in the literature in individuals affected with ATM-related conditions. ClinVar contains an entry for this variant (Variation ID: 127436). An algorithm developed to predict the effect of missense changes on protein structure and function (PolyPhen-2) suggests that this variant is likely to be disruptive. In summary, the available evidence is currently insufficient to determine the role of this variant in disease. Therefore, it has been classified as a Variant of Uncertain Significance.

Color Diagnostics, LLC DBA Color Health
Classification: Uncertain significance for Hereditary cancer-predisposing syndrome. Last evaluated: 2024-03-06. Review status: criteria provided, single submitter. Criteria: ACMG Guidelines, 2015. Collection method: clinical testing. Allele origin: germline.
Comment: This missense variant replaces tyrosine with histidine at codon 2360 of the ATM protein. Computational prediction suggests that this variant may have deleterious impact on protein structure and function (internally defined REVEL score threshold >= 0.7, PMID: 27666373). To our knowledge, functional studies have not been reported for this variant. This variant has not been reported in individuals affected with ATM-related disorders in the literature. This variant has not been identified in the general population by the Genome Aggregation Database (gnomAD). The available evidence is insufficient to determine the role of this variant in disease conclusively. Therefore, this variant is classified as a Variant of Uncertain Significance.

Baylor Genetics
Classification: Uncertain significance for Familial cancer of breast. Last evaluated: 2023-11-04. Review status: criteria provided, single submitter. Criteria: ACMG Guidelines, 2015. Collection method: clinical testing. Allele origin: unknown.

GeneDx
Classification: Uncertain significance. Last evaluated: 2023-02-17. Review status: criteria provided, single submitter. Criteria: GeneDx Variant Classification Process June 2021. Collection method: clinical testing. Allele origin: germline. Affected: yes.
Comment: Not observed at significant frequency in large population cohorts (gnomAD); In silico analysis supports that this missense variant has a deleterious effect on protein structure/function; Has not been previously published as pathogenic or benign to our knowledge; This variant is associated with the following publications: (PMID: 23532176)